The following is an entry in ClinVar:

ClinVar aggregate classification (germline): Pathogenic (1 of 4 stars; one submission).

Conditions:
Familial thoracic aortic aneurysm and aortic dissection (TAAD). Also called: Thoracic aortic aneurysms and dissections. Identifiers: Orphanet 91387, MedGen C4707243, MONDO:0019625.
Marfan syndrome (MFS). Also called: FBN1-Related Marfan Syndrome; Marfan syndrome type 1; Marfan's syndrome; Marfan syndrome, classic; MARFAN SYNDROME, TYPE I. Identifiers: Orphanet 284963, Orphanet 558, MedGen C0024796, MONDO:0007947, OMIM 154700.

Submission:

Labcorp Genetics (formerly Invitae), Labcorp
Classification: Pathogenic for Marfan syndrome; Familial thoracic aortic aneurysm and aortic dissection. Last evaluated: 2020-02-10. Review status: criteria provided, single submitter. Criteria: Invitae Variant Classification Sherloc (09022015). Collection method: clinical testing. Allele origin: germline.
Comment: This sequence change creates a premature translational stop signal (p.Arg1125Gln*37) in the FBN1 gene. It is expected to result in an absent or disrupted protein product. For these reasons, this variant has been classified as Pathogenic. Loss-of-function variants in FBN1 are known to be pathogenic (PMID: 17657824, 19293843). This variant has not been reported in the literature in individuals with FBN1-related disease. This variant is not present in population databases (ExAC no frequency).

Literature cited by the submitters: PubMed 17657824; PubMed 19293843.

NM_000138.5(FBN1):c.3374_3379delinsAAAGT (p.Arg1125fs)

Gene: FBN1 (fibrillin 1; minus strand). Cytogenetic location: 15q21.1.
Variant type: Indel.
Coding change: c.3374_3379delinsAAAGT on transcript NM_000138.5 (MANE Select); coding-DNA positions 3374 to 3379, GAGGTG replaced by AAAGT.
Protein change: p.Arg1125fs; shifts the reading frame from arginine 1125.
Molecular consequence: frameshift variant.
Genome position (GRCh38, 1-based): chr15:48,487,396-48,487,401, CACCTC replaced by ACTTT on the plus strand (GAGGTG replaced by AAAGT on the coding strand, the reverse complement: FBN1 is on the minus strand). VCF-style: chr15-48487396-CACCTC-ACTTT. GRCh37 (hg19) VCF-style: chr15-48779593-CACCTC-ACTTT.
Other names: short protein forms R1125fs.
Identifiers: ClinVar variation 657850 (VCV000657850.5), dbSNP rs1597563274, ClinGen allele CA915946579.